The following is an entry in ClinVar:

NM_001365480.1(CCDC88A):c.2645G>A (p.Arg882His)

Gene: CCDC88A (coiled-coil and HOOK domain protein 88A; minus strand). Cytogenetic location: 2p16.1.
Variant type: single nucleotide variant.
Coding change: c.2645G>A on transcript NM_001365480.1 (MANE Select); coding-DNA position 2645, G replaced by A.
Protein change: p.Arg882His; replaces arginine 882 with histidine.
Molecular consequence: missense variant.
Genome position (GRCh38, 1-based): chr2:55,334,176, C>T on the plus strand (G>A on the coding strand, the complement: CCDC88A is on the minus strand). VCF-style: chr2-55334176-C-T. GRCh37 (hg19) VCF-style: chr2-55561312-C-T.
Other names: c.2645G>A, p.Arg882His (NM_001135597.2, NM_001254943.2, NM_018084.5); c.2645G>A (NM_001135597.1); short protein forms R882H.
Identifiers: ClinVar variation 1579926 (VCV001579926.10), dbSNP rs759199436, ClinGen allele CA1665958.
Genomic context (GRCh38, chr2:55,334,176, plus strand): 5'-TTTATATCAATAGTTGCTCTTTTCACAAGCTCCTTATTTTCTTTTTCTAGTTCTTTCAGA[C>T]GGACACAAGATTCTTTATATATACCAATTTCTTTGGATAGGGTTTTGTTTTCTTTTTCCA-3'
Protein context (NP_001352409.1, residues 872-892): EIGIYKESCV[Arg882His]LKELEKENKE

ClinVar aggregate classification (germline): Likely benign. Review status: criteria provided, single submitter (1 of 4 stars). 2 submissions from 2 submitters: Likely benign (1). 1 of the submissions does not count toward it. Last evaluated 2026-01-05.

Conditions:
CCDC88A-related disorder. Also called: CCDC88A-related condition.

Submissions (2):

Labcorp Genetics (formerly Invitae), Labcorp
Classification: Likely benign. Last evaluated: 2026-01-05. Review status: criteria provided, single submitter. Criteria: Invitae Variant Classification Sherloc (09022015). Collection method: clinical testing. Allele origin: germline.

PreventionGenetics, part of Exact Sciences
Classification: Likely benign for CCDC88A-related condition. Last evaluated: 2023-05-17. Review status: no assertion criteria provided. Collection method: clinical testing. Allele origin: germline. Not counted in ClinVar's aggregate classification.
Comment: This variant is classified as likely benign based on ACMG/AMP sequence variant interpretation guidelines (Richards et al. 2015 PMID: 25741868, with internal and published modifications).